The following is an entry in ClinVar:

NM_004006.3(DMD):c.1880T>A (p.Leu627His)

Gene: DMD (dystrophin; minus strand). Cytogenetic location: Xp21.1.
Variant type: single nucleotide variant.
Coding change: c.1880T>A on transcript NM_004006.3 (MANE Select); coding-DNA position 1880, T replaced by A.
Protein change: p.Leu627His; replaces leucine 627 with histidine.
Molecular consequence: missense variant.
Genome position (GRCh38, 1-based): chrX:32,565,814, A>T on the plus strand (T>A on the coding strand, the complement: DMD is on the minus strand). VCF-style: chrX-32565814-A-T. GRCh37 (hg19) VCF-style: chrX-32583931-A-T.
Other names: c.1856T>A, p.Leu619His (NM_000109.4); c.1868T>A, p.Leu623His (NM_004009.3); c.1511T>A, p.Leu504His (NM_004010.3); short protein forms L619H, L504H, L623H, L627H.
Identifiers: ClinVar variation 1781887 (VCV001781887.2), dbSNP rs2526585782, ClinGen allele CA412672786.

ClinVar aggregate classification (germline): Uncertain significance (1 of 4 stars; one submission).

Conditions:
Cardiovascular phenotype. Identifiers: MedGen CN230736.

Submission:

Ambry Genetics
Classification: Uncertain significance for Cardiovascular phenotype. Last evaluated: 2020-03-05. Review status: criteria provided, single submitter. Criteria: Ambry Variant Classification Scheme 2023. Collection method: clinical testing. Allele origin: germline.
Comment: The p.L627H variant (also known as c.1880T>A), located in coding exon 16 of the DMD gene, results from a T to A substitution at nucleotide position 1880. The leucine at codon 627 is replaced by histidine, an amino acid with similar properties. This amino acid position is highly conserved in available vertebrate species. In addition, this alteration is predicted to be deleterious by in silico analysis. Since supporting evidence is limited at this time, the clinical significance of this alteration remains unclear.